The following is an entry in ClinVar:

NM_003072.5(SMARCA4):c.2511C>G (p.Ser837=)

Gene: SMARCA4 (SWI/SNF related BAF chromatin remodeling complex subunit ATPase 4; plus strand). Cytogenetic location: 19p13.2.
Variant type: single nucleotide variant.
Coding change: c.2511C>G on transcript NM_003072.5 (MANE Select); coding-DNA position 2511, C replaced by G.
Protein change: p.Ser837=; no amino-acid change (serine 837 retained).
Molecular consequence: synonymous variant. On other transcripts: non-coding transcript variant (1).
Genome position (GRCh38, 1-based): chr19:11,019,596, C>G. VCF-style: chr19-11019596-C-G. GRCh37 (hg19) VCF-style: chr19-11130272-C-G.
Other names: c.2511C>G, p.Ser837= (NM_001128844.3, NM_001128845.2, NM_001128846.2 and 6 more transcripts).
Identifiers: ClinVar variation 5042109 (VCV005042109.1).

ClinVar aggregate classification (germline): Benign (1 of 4 stars; one submission).

Conditions:
Rhabdoid tumor predisposition syndrome 2 (RTPS2). Identifiers: Orphanet 231108, Orphanet 69077, MedGen C2750074, MONDO:0013224, OMIM 613325.

Submission:

Myriad Genetics, Inc.
Classification: Benign for Rhabdoid tumor predisposition syndrome 2. Last evaluated: 2026-07-13. Review status: criteria provided, single submitter. Criteria: Myriad Autosomal Dominant, Autosomal Recessive and X-Linked Classification Criteria (2023). Collection method: clinical testing. Allele origin: unknown.
Comment: This variant is considered benign. This variant is a silent/synonymous amino acid change and it is not expected to impact splicing.